The following is an entry in ClinVar:

ClinVar aggregate classification (germline): Uncertain significance. Review status: criteria provided, multiple submitters, no conflicts (2 of 4 stars). 2 submissions from 2 submitters: Uncertain significance (2). Last evaluated 2026-01-26.

Conditions:
Hypertrophic cardiomyopathy. Also called: HYPERTROPHIC MYOCARDIOPATHY. Identifiers: Orphanet 217569, MedGen C0007194, MeSH D002312, MONDO:0005045, HP:0001639.
Cardiomyopathy (CMYO). Also called: Cardiomyopathies. Identifiers: Orphanet 167848, MedGen C0878544, MONDO:0004994, HP:0001638. Inheritance: Various modes of inheritance.

Submissions (2):

Labcorp Genetics (formerly Invitae), Labcorp
Classification: Uncertain significance for Hypertrophic cardiomyopathy. Last evaluated: 2026-01-26. Review status: criteria provided, single submitter. Criteria: Invitae Variant Classification Sherloc (09022015). Collection method: clinical testing. Allele origin: germline.
Comment: This sequence change replaces serine, which is neutral and polar, with arginine, which is basic and polar, at codon 1519 of the MYH7 protein (p.Ser1519Arg). This variant is not present in population databases (gnomAD no frequency). This variant has not been reported in the literature in individuals affected with MYH7-related conditions. ClinVar contains an entry for this variant (Variation ID: 3074187). Invitae Evidence Modeling of protein sequence and biophysical properties (such as structural, functional, and spatial information, amino acid conservation, physicochemical variation, residue mobility, and thermodynamic stability) indicates that this missense variant is expected to disrupt MYH7 protein function with a positive predictive value of 80%. In summary, the available evidence is currently insufficient to determine the role of this variant in disease. Therefore, it has been classified as a Variant of Uncertain Significance.

All of Us Research Program, National Institutes of Health
Classification: Uncertain significance for Cardiomyopathy. Last evaluated: 2023-12-01. Review status: criteria provided, single submitter. Criteria: ACMG Guidelines, 2015. Collection method: clinical testing. Allele origin: germline. Inheritance: Autosomal dominant inheritance. Observed: 1 variant allele, 1 heterozygote.
Comment: This study involves interpretation of variants in research participants for the purpose of population health screening. Participant phenotype was not available at the time of variant classification. Additional details can be found in publication PMID: 35346344, PMCID: PMC8962531

NM_000257.4(MYH7):c.4557C>A (p.Ser1519Arg)

Genes: MHRT (myosin heavy chain associated RNA transcript; plus strand), MYH7 (myosin heavy chain 7; minus strand). Cytogenetic location: 14q11.2.
Variant type: single nucleotide variant.
Coding change: c.4557C>A on transcript NM_000257.4 (MANE Select); coding-DNA position 4557, C replaced by A.
Protein change: p.Ser1519Arg; replaces serine 1519 with arginine.
Molecular consequence: missense variant. On other transcripts: non-coding transcript variant (1).
Genome position (GRCh38, 1-based): chr14:23,416,955, G>T on the plus strand (C>A on the coding strand, the complement: MYH7 is on the minus strand). VCF-style: chr14-23416955-G-T. GRCh37 (hg19) VCF-style: chr14-23886164-G-T.
Other names: c.4557C>A, p.Ser1519Arg (NM_001407004.1); short protein forms S1519R.
Identifiers: ClinVar variation 3074187 (VCV003074187.2), dbSNP rs150552664, ClinGen allele CA389038149.